The following is an entry in ClinVar:

ClinVar aggregate classification (germline): Uncertain significance. Review status: criteria provided, multiple submitters, no conflicts (2 of 4 stars). 4 submissions from 4 submitters: Uncertain significance (4). Last evaluated 2025-11-19.

Conditions:
Cranioectodermal dysplasia 2 (CED2). Identifiers: Orphanet 1515, MedGen C3150874, MONDO:0013323, OMIM 613610.
Inborn genetic diseases. Identifiers: MedGen C0950123, MeSH D030342.
Short-rib thoracic dysplasia 7 with or without polydactyly (SRTD7). Also called: Short rib polydactyly syndrome 5; SHORT-RIB THORACIC DYSPLASIA 7 WITH POLYDACTYLY. Identifiers: Orphanet 498497, Orphanet 93271, MedGen C3279792, MONDO:0013569, OMIM 614091.

Allele frequency attached by ClinVar (database versions not stated): gnomAD 0.00003 and 0.00004; gnomAD exomes 0.00015 and 0.00004; TOPMed 0.00009; 1000 Genomes Project 30x 0.00016; ExAC 0.00008; 1000 Genomes Project 0.00020.
gnomAD v4.1: 58 of 1,613,418 alleles (0.0036%); highest among the groups gnomAD compares: Admixed American, 0.07%; no homozygotes.

Submissions (4):

GeneDx
Classification: Uncertain significance. Last evaluated: 2025-11-19. Review status: criteria provided, single submitter. Criteria: GeneDx Variant Classification Process June 2021. Collection method: clinical testing. Allele origin: germline.
Comment: In silico analysis supports that this missense variant has a deleterious effect on protein structure/function; Has not been previously published as pathogenic or benign to our knowledge

Labcorp Genetics (formerly Invitae), Labcorp
Classification: Uncertain significance for Cranioectodermal dysplasia 2; Short-rib thoracic dysplasia 7 with or without polydactyly. Last evaluated: 2024-12-23. Review status: criteria provided, single submitter. Criteria: Invitae Variant Classification Sherloc (09022015). Collection method: clinical testing. Allele origin: germline.
Comment: This sequence change replaces arginine, which is basic and polar, with histidine, which is basic and polar, at codon 557 of the WDR35 protein (p.Arg557His). This variant is present in population databases (rs529313875, gnomAD 0.1%). This variant has not been reported in the literature in individuals affected with WDR35-related conditions. ClinVar contains an entry for this variant (Variation ID: 1032519). Invitae Evidence Modeling of protein sequence and biophysical properties (such as structural, functional, and spatial information, amino acid conservation, physicochemical variation, residue mobility, and thermodynamic stability) has been performed for this missense variant. However, the output from this modeling did not meet the statistical confidence thresholds required to predict the impact of this variant on WDR35 protein function. In summary, the available evidence is currently insufficient to determine the role of this variant in disease. Therefore, it has been classified as a Variant of Uncertain Significance.

Ambry Genetics
Classification: Uncertain significance for Inborn genetic diseases. Last evaluated: 2024-12-04. Review status: criteria provided, single submitter. Criteria: Ambry Variant Classification Scheme 2023. Collection method: clinical testing. Allele origin: germline.

Baylor Genetics
Classification: Uncertain significance for Cranioectodermal dysplasia 2. Last evaluated: 2018-07-31. Review status: criteria provided, single submitter. Criteria: ACMG Guidelines, 2015. Collection method: clinical testing. Allele origin: maternal. Affected: yes.
Comment: This variant was determined to be of uncertain significance according to ACMG Guidelines, 2015 [PMID:25741868].

NM_020779.4(WDR35):c.1637G>A (p.Arg546His)

Gene: WDR35 (WD repeat domain 35; minus strand). Cytogenetic location: 2p24.1.
Variant type: single nucleotide variant.
Coding change: c.1637G>A on transcript NM_020779.4 (MANE Select); coding-DNA position 1637, G replaced by A.
Protein change: p.Arg546His; replaces arginine 546 with histidine.
Molecular consequence: missense variant.
Genome position (GRCh38, 1-based): chr2:19,945,994, C>T on the plus strand (G>A on the coding strand, the complement: WDR35 is on the minus strand). VCF-style: chr2-19945994-C-T. GRCh37 (hg19) VCF-style: chr2-20145755-C-T.
Other names: c.1670G>A, p.Arg557His (NM_001006657.2); short protein forms R557H, R546H.
Identifiers: ClinVar variation 1032519 (VCV001032519.9), dbSNP rs529313875, ClinGen allele CA1543141.
Genomic context (GRCh38, chr2:19,945,994, plus strand): 5'-GTTACTCGAGCATCCAAGTCAAAGAAAGTCAGAACTCCTGAGATGTCTATGATAGCAAGA[C>T]GGCTAAAAACAATGCAATTAGAGAAAAGGAAAAAACTATAAAATTACTATCAGCAATCAT-3'
Protein context (NP_065830.2, residues 536-556): YQLSLNCNSS[Arg546His]LAIIDISGVL